The following continues an entry in ClinVar:

NM_000059.4(BRCA2):c.581G>A (p.Trp194Ter)

Gene: BRCA2. ClinVar aggregate classification (germline): Pathogenic. Pathogenic (1).

Submissions 10 to 19 of 19:

Women's Health and Genetics/Laboratory Corporation of America, LabCorp
Classification: Pathogenic for Hereditary breast ovarian cancer syndrome. Last evaluated: 2021-11-20. Review status: criteria provided, single submitter. Criteria: LabCorp Variant Classification Summary - May 2015. Collection method: clinical testing. Allele origin: germline. Not counted in ClinVar's aggregate classification.
Comment: Variant summary: BRCA2 c.581G>A (p.Trp194X) results in a premature termination codon, predicted to cause a truncation of the encoded protein or absence of the protein due to nonsense mediated decay, which are commonly known mechanisms for disease. Truncations downstream of this position have been classified as pathogenic by our laboratory. At least one publication reports experimental evidence that this variant affects mRNA splicing, i.e. increasing exon 4-7 and exon 7 skipping compared to WT (Biswas 2011, Di Giacomo 2013) and can generate a protein albeit with decreased ability to rescue the lethality of BRCA2-null embryonic stem cells (Biswas 2011) and with reduced p53 phosphorylation (Loke 2015).The variant was absent in 251402 control chromosomes. c.581G>A has been reported in the literature in multiple individuals affected with Hereditary Breast And Ovarian Cancer Syndrome (example, Rebbeck_2018). These data indicate that the variant is very likely to be associated with disease. Multiple clinical diagnostic laboratories, an expert panel (ENIGMA) and a consortium (CIMBA) have submitted clinical-significance assessments for this variant to ClinVar after 2014 without evidence for independent evaluation. All submitters classified the variant as pathogenic. Based on the evidence outlined above, the variant was classified as pathogenic.

GeneDx
Classification: Pathogenic. Last evaluated: 2021-11-16. Review status: criteria provided, single submitter. Criteria: GeneDx Variant Classification Process June 2021. Collection method: clinical testing. Allele origin: germline. Affected: yes. Not counted in ClinVar's aggregate classification.
Comment: Nonsense variant predicted to result in protein truncation or nonsense mediated decay in a gene for which loss-of-function is a known mechanism of disease; Published functional studies demonstrate occasional alternate splicing resulting in both the pathogenic deletion of exon 7 or the in-frame naturally occurring deletion of exons 4-7 which may result in a functional protein (Biswas 2011, Di Giacomo 2013, Mesman 2020); Observed in multiple individuals with Hereditary Breast and Ovarian Cancer (Couch 1996, Shih 2002, Francies 2015, Yang 2017, Chan 2018); Not observed at significant frequency in large population cohorts (Lek 2016); Truncating variants in this gene are considered pathogenic by a well-established clinical consortium and/or database; Also known as 809G>A; This variant is associated with the following publications: (PMID: 22962691, 26920070, 23983145, 8673091, 21719596, 25652403, 11844822, 28664506, 28301456, 26577449, 30093976, 29843852, 29446198, 32398771, 32393813)

Department of Pathology and Laboratory Medicine, Sinai Health System
Classification: Pathogenic for BRCA2-related cancer predisposition. Last evaluated: 2019-12-04. Review status: criteria provided, single submitter. Criteria: ACMG Guidelines, 2015. Collection method: clinical testing. Allele origin: germline. Not counted in ClinVar's aggregate classification.

Genetic Services Laboratory, University of Chicago
Classification: Pathogenic. Last evaluated: 2018-12-03. Review status: criteria provided, single submitter. Criteria: ACMG Guidelines, 2015. Collection method: clinical testing. Allele origin: germline. Affected: yes. Not counted in ClinVar's aggregate classification.
Comment: DNA sequence analysis of the BRCA2 gene demonstrated a sequence change, c.581G>A, which results in the creation of a premature stop codon at amino acid position 194, p.Trp194*. This pathogenic sequence change is predicted to result in an abnormal transcript, which may be degraded, or may lead to the production of a truncated BRCA2 protein with potentially abnormal function. In vitro assays have provided evidence that the p.Trp194* sequence change leads to skipping of exon 7, altered protein nuclear localization and reduced p53 phosphorylation (Loke et al., 2015. Hum Mol Genet 24: 3030-7; Di Giacomo et al., 2013. Hum Mutat 34: 1547-57). This pathogenic sequence change has previously been described in a patient with BRCA2-related breast cancer (PMID: 8673091).

Eurofins Ntd Llc (ga)
Classification: Pathogenic. Last evaluated: 2017-12-06. Review status: criteria provided, single submitter. Criteria: EGL Classification Definitions 2015. Collection method: clinical testing. Allele origin: germline. Observed: 1 variant allele, 1 heterozygote. Not counted in ClinVar's aggregate classification.

Consortium of Investigators of Modifiers of BRCA1/2 (CIMBA), c/o University of Cambridge
Classification: Pathogenic for Breast-ovarian cancer, familial, susceptibility to, 2. Last evaluated: 2015-10-02. Review status: criteria provided, single submitter. Criteria: CIMBA Mutation Classification guidelines May 2016. Collection method: clinical testing. Allele origin: germline. Not counted in ClinVar's aggregate classification.

Juno Genomics, Hangzhou Juno Genomics, Inc
Classification: Pathogenic for Familial cancer of breast; Breast-ovarian cancer, familial, susceptibility to, 2; Glioma susceptibility 3; Medulloblastoma; Pancreatic cancer, susceptibility to, 2; Familial prostate cancer; Fanconi anemia complementation group D1; Wilms tumor 1. Review status: criteria provided, single submitter. Criteria: ACMG Guidelines, 2015. Collection method: clinical testing. Allele origin: germline. Not counted in ClinVar's aggregate classification.
Comment: Absent from controls (or at extremely low frequency if recessive) in Genome Aggregation Database.;Null variant in a gene where loss of function (LOF) is a known mechanism of disease.;Well-established in vitro or in vivo functional studies supportive of a damaging effect on the gene or gene product.

Counsyl
Classification: Pathogenic for Breast-ovarian cancer, familial, susceptibility to, 2. Last evaluated: 2017-11-27. Review status: no assertion criteria provided. Collection method: clinical testing. Allele origin: unknown. Not counted in ClinVar's aggregate classification.

Sharing Clinical Reports Project (SCRP)
Classification: Pathogenic for Breast-ovarian cancer, familial 2. Last evaluated: 2010-10-11. Review status: no assertion criteria provided. Collection method: clinical testing. Allele origin: germline. Not counted in ClinVar's aggregate classification.

Breast Cancer Information Core (BIC) (BRCA2)
Classification: Pathogenic for Breast-ovarian cancer, familial 2. Last evaluated: 2004-02-20. Review status: no assertion criteria provided. Collection method: clinical testing. Allele origin: germline, unknown. Affected: yes. Observed: 3 variant alleles. Not counted in ClinVar's aggregate classification.

Literature cited by the submitters: PubMed 31060517 (cited by Dasa); PubMed 26577449 (cited by 4 submitters); PubMed 23983145 (cited by 4 submitters); PubMed 25652403 (cited by 3 submitters); PubMed 29446198 (cited by Mayo Clinic Laboratories, Mayo Clinic and Women's Health and Genetics/Laboratory Corporation of America, LabCorp); PubMed 30093976 (cited by 3 submitters); PubMed 32398771 (cited by Mayo Clinic Laboratories, Mayo Clinic); PubMed 8673091 (cited by 6 submitters); PubMed 21719596 (cited by 4 submitters); PubMed 20104584 (cited by Labcorp Genetics (formerly Invitae), Labcorp); PubMed 8988179 (cited by Women's Health and Genetics/Laboratory Corporation of America, LabCorp and Counsyl); PubMed 28664506 (cited by Women's Health and Genetics/Laboratory Corporation of America, LabCorp and Department of Pathology and Laboratory Medicine, Sinai Health System); PubMed 26761715 (cited by Counsyl).